The following is an entry in ClinVar:

ClinVar aggregate classification (germline): Conflicting classifications of pathogenicity. Review status: criteria provided, conflicting classifications (1 of 4 stars). 7 submissions from 7 submitters: Uncertain significance (3); Likely benign (3). 1 of the submissions does not count toward it. Last evaluated 2026-03-02.

Conditions:
Amyotrophic lateral sclerosis type 4 (ALS4). Also called: AMYOTROPHIC LATERAL SCLEROSIS 4, JUVENILE; NEURONOPATHY, DISTAL HEREDITARY MOTOR, WITH PYRAMIDAL FEATURES. Identifiers: Orphanet 357043, MedGen C1865409, MONDO:0011223, OMIM 602433.
Spinocerebellar ataxia, autosomal recessive, with axonal neuropathy 2 (SCAN2). Also called: Ataxia-ocular apraxia-2; Ataxia with Oculomotor Apraxia; Ataxia with Oculomotor Apraxia Type 2; ATAXIA-OCULOMOTOR APRAXIA 2. Identifiers: Orphanet 64753, MedGen C1853761, MONDO:0018996, OMIM 606002.
Inborn genetic diseases. Identifiers: MedGen C0950123, MeSH D030342.
SETX-related disorder. Also called: SETX-related condition; SETX-related disorders. Identifiers: MedGen CN239403.

Allele frequency attached by ClinVar (database versions not stated): gnomAD exomes 0.00008 and 0.00016; ExAC 0.00024; ESP Exome Variant Server 0.00062; TOPMed 0.00063; gnomAD 0.00070 and 0.00073; 1000 Genomes Project 0.00100; 1000 Genomes Project 30x 0.00156.
gnomAD v4.1: 233 of 1,614,110 alleles (0.014%); highest among the groups gnomAD compares: African/African-American, 0.24%; 1 homozygote.

Submissions (7):

GeneDx
Classification: Uncertain significance. Last evaluated: 2026-03-02. Review status: criteria provided, single submitter. Criteria: GeneDx Variant Classification Process June 2021. Collection method: clinical testing. Allele origin: germline.
Comment: In silico analysis indicates that this missense variant does not alter protein structure/function; Has not been previously published as pathogenic or benign to our knowledge

Labcorp Genetics (formerly Invitae), Labcorp
Classification: Likely benign for Amyotrophic lateral sclerosis type 4; Spinocerebellar ataxia, autosomal recessive, with axonal neuropathy 2. Last evaluated: 2025-10-06. Review status: criteria provided, single submitter. Criteria: Invitae Variant Classification Sherloc (09022015). Collection method: clinical testing. Allele origin: germline.

CeGaT Center for Human Genetics Tuebingen
Classification: Likely benign. Last evaluated: 2024-09-01. Review status: criteria provided, single submitter. Criteria: CeGaT Center For Human Genetics Tuebingen Variant Classification Criteria Version 2. Collection method: clinical testing. Allele origin: germline. Affected: yes. Observed: 1 variant allele.
Comment: SETX: BS2

Mayo Clinic Laboratories, Mayo Clinic
Classification: Uncertain significance. Last evaluated: 2023-06-05. Review status: criteria provided, single submitter. Criteria: ACMG Guidelines, 2015. Collection method: clinical testing. Allele origin: germline. Observed: 1 variant allele.

Athena Diagnostics
Classification: Likely benign. Last evaluated: 2021-01-25. Review status: criteria provided, single submitter. Criteria: Athena Diagnostics criteria. Collection method: clinical testing. Allele origin: unknown.

Ambry Genetics
Classification: Uncertain significance for Inborn genetic diseases. Last evaluated: 2019-12-23. Review status: criteria provided, single submitter. Criteria: Ambry Variant Classification Scheme 2023. Collection method: clinical testing. Allele origin: germline.
Comment: The p.D2624Y variant (also known as c.7870G>T), located in coding exon 24 of the SETX gene, results from a G to T substitution at nucleotide position 7870. The aspartic acid at codon 2624 is replaced by tyrosine, an amino acid with highly dissimilar properties. This amino acid position is not well conserved in available vertebrate species. In addition, the in silico prediction for this alteration is inconclusive. Based on the supporting evidence, this variant is unlikely to be causative of juvenile amyotrophic lateral sclerosis 4; however, its contribution to the development of spinocerebellar ataxia with axonal neuropathy 2 is uncertain.

PreventionGenetics, part of Exact Sciences
Classification: Likely benign for SETX-related condition. Last evaluated: 2022-08-25. Review status: no assertion criteria provided. Collection method: clinical testing. Allele origin: germline. Not counted in ClinVar's aggregate classification.
Comment: This variant is classified as likely benign based on ACMG/AMP sequence variant interpretation guidelines (Richards et al. 2015 PMID: 25741868, with internal and published modifications).

NM_015046.7(SETX):c.7870G>T (p.Asp2624Tyr)

Gene: SETX (senataxin; minus strand). Cytogenetic location: 9q34.13.
Variant type: single nucleotide variant.
Coding change: c.7870G>T on transcript NM_015046.7 (MANE Select); coding-DNA position 7870, G replaced by T.
Protein change: p.Asp2624Tyr; replaces aspartic acid 2624 with tyrosine.
Molecular consequence: missense variant.
Genome position (GRCh38, 1-based): chr9:132,264,403, C>A on the plus strand (G>T on the coding strand, the complement: SETX is on the minus strand). VCF-style: chr9-132264403-C-A. GRCh37 (hg19) VCF-style: chr9-135139790-C-A.
Other names: p.Asp2624Tyr; c.7870G>T, p.Asp2624Tyr (NM_001351527.2); c.7957G>T, p.Asp2653Tyr (NM_001351528.2); short protein forms D2624Y, D2653Y.
Identifiers: ClinVar variation 468527 (VCV000468527.34), dbSNP rs141589525, ClinGen allele CA5296301.